The following is an entry in ClinVar:

ClinVar aggregate classification (germline): Likely benign. Review status: criteria provided, single submitter (1 of 4 stars). 2 submissions from 2 submitters: Likely benign (1). 1 of the submissions does not count toward it. Last evaluated 2022-07-12.

Conditions:
IFT74-related disorder. Also called: IFT74-related condition; IFT74-Related Disorders.

Allele frequency attached by ClinVar (database versions not stated): gnomAD exomes 0.00001; gnomAD 0.00002; TOPMed 0.00002; ExAC 0.00003.
gnomAD v4.1: 3 of 1,612,800 alleles (0.00019%); highest among the groups gnomAD compares: African/African-American, 0.0027%; no homozygotes.

Submissions (2):

Labcorp Genetics (formerly Invitae), Labcorp
Classification: Likely benign. Last evaluated: 2022-07-12. Review status: criteria provided, single submitter. Criteria: Invitae Variant Classification Sherloc (09022015). Collection method: clinical testing. Allele origin: germline.

PreventionGenetics, part of Exact Sciences
Classification: Likely benign for IFT74-related condition. Last evaluated: 2022-04-11. Review status: no assertion criteria provided. Collection method: clinical testing. Allele origin: germline. Not counted in ClinVar's aggregate classification.
Comment: This variant is classified as likely benign based on ACMG/AMP sequence variant interpretation guidelines (Richards et al. 2015 PMID: 25741868, with internal and published modifications).

NM_025103.4(IFT74):c.648T>C (p.Asp216=)

Gene: IFT74 (intraflagellar transport 74; plus strand). Cytogenetic location: 9p21.2.
Variant type: single nucleotide variant.
Coding change: c.648T>C on transcript NM_025103.4 (MANE Select); coding-DNA position 648, T replaced by C.
Protein change: p.Asp216=; no amino-acid change (aspartic acid 216 retained).
Molecular consequence: synonymous variant.
Genome position (GRCh38, 1-based): chr9:27,009,080, T>C. VCF-style: chr9-27009080-T-C. GRCh37 (hg19) VCF-style: chr9-27009078-T-C.
Other names: c.648T>C, p.Asp216= (NM_001099222.3, NM_001099223.3, NM_001099224.3 and 1 more transcripts); c.648T>C (NM_025103.2).
Identifiers: ClinVar variation 1641197 (VCV001641197.10), dbSNP rs754379255, ClinGen allele CA5015341.
Genomic context (GRCh38, chr9:27,009,080, plus strand): 5'-GAAAGAAAAACAAATCAGAAGTGTCGAAGAAGAAATTGAACAGGAAAAACAAGCAACAGA[T>C]GACATTATCAAAAATATGTCTTTTGAAAACCAAGTCAAGTACCTAGAGATGAAAACCACA-3'
Protein context (NP_079379.2, residues 206-226): EEIEQEKQAT[Asp216=]DIIKNMSFEN